The following is an entry in ClinVar:

ClinVar aggregate classification (germline): Likely benign (1 of 4 stars; one submission).

Conditions:
Arrhythmogenic right ventricular cardiomyopathy (ARVD). Also called: Arrhythmogenic right ventricular dysplasia; Cardiomyopathy, ARVC; Arrhythmogenic cardiomyopathy; Arrhythmogenic Right Ventricular Cardiomyopathy (ARVC). Identifiers: Orphanet 247, MedGen C0349788, MeSH D019571, MONDO:0016587. Disease mechanism: loss of function. Inheritance: Various modes of inheritance.

Submission:

All of Us Research Program, National Institutes of Health
Classification: Likely benign for Arrhythmogenic right ventricular cardiomyopathy. Last evaluated: 2023-11-02. Review status: criteria provided, single submitter. Criteria: ACMG Guidelines, 2015. Collection method: clinical testing. Allele origin: germline. Inheritance: Autosomal dominant inheritance. Observed: 1 variant allele, 1 heterozygote.
Comment: This study involves interpretation of variants in research participants for the purpose of population health screening. Participant phenotype was not available at the time of variant classification. Additional details can be found in publication PMID: 35346344, PMCID: PMC8962531

NM_001943.5(DSG2):c.3006G>T (p.Leu1002=)

Genes: DSG2 (desmoglein 2; plus strand), DSG2-AS1 (DSG2 antisense RNA 1; minus strand). Cytogenetic location: 18q12.1.
Variant type: single nucleotide variant.
Coding change: c.3006G>T on transcript NM_001943.5 (MANE Select); coding-DNA position 3006, G replaced by T.
Protein change: p.Leu1002=; no amino-acid change (leucine 1002 retained).
Molecular consequence: synonymous variant.
Genome position (GRCh38, 1-based): chr18:31,546,392, G>T. VCF-style: chr18-31546392-G-T. GRCh37 (hg19) VCF-style: chr18-29126355-G-T.
Identifiers: ClinVar variation 3074361 (VCV003074361.1), dbSNP rs2510922655, ClinGen allele CA503766690.
Genomic context (GRCh38, chr18:31,546,392, plus strand): 5'-AGGTACAGTTGTGGTCACTGAAAGAGTAATACAGCCTCATGGGGGTGGATCGAATCCTCT[G>T]GAAGGCACTCAGCATCTTCAAGATGTACCTTACGTCATGGTGAGGGAAAGAGAGAGCTTC-3'
Protein context (NP_001934.2, residues 992-1012): IQPHGGGSNP[Leu1002=]EGTQHLQDVP